The following is an entry in ClinVar:

ClinVar aggregate classification (germline): Conflicting classifications of pathogenicity. Review status: criteria provided, conflicting classifications (1 of 4 stars). 3 submissions from 3 submitters: Uncertain significance (1); Likely benign (1). 1 of the submissions does not count toward it. Last evaluated 2025-09-25.

Conditions:
Ullrich congenital muscular dystrophy 1A. Also called: Intermediate COL6-RD; Ullrich congenital muscular dystrophy 1. Identifiers: Orphanet 75840, MedGen C0410179, MONDO:0009681, OMIM 254090.
Bethlem myopathy 1A. Also called: Bethlem Muscular Dystrophy; Bethlem myopathy 1; MYOPATHY, BENIGN CONGENITAL, WITH CONTRACTURES. Identifiers: Orphanet 610, MedGen CN029274, MONDO:0024530, OMIM 158810.

Allele frequency attached by ClinVar (database versions not stated): TOPMed 0.00002.
gnomAD v4.1: 34 of 1,608,992 alleles (0.0021%); highest among the groups gnomAD compares: South Asian, 0.0055%; no homozygotes.

Submissions (3):

Labcorp Genetics (formerly Invitae), Labcorp
Classification: Likely benign for Bethlem myopathy 1A. Last evaluated: 2025-09-25. Review status: criteria provided, single submitter. Criteria: Invitae Variant Classification Sherloc (09022015). Collection method: clinical testing. Allele origin: germline.

Revvity Omics, Revvity
Classification: Uncertain significance. Last evaluated: 2025-06-17. Review status: criteria provided, single submitter. Criteria: ACMG Guidelines, 2015. Collection method: clinical testing. Allele origin: germline.

Hacettepe Genetic Diseases Diagnosis Center, Hacettepe University Faculty of Medicine
Classification: Likely pathogenic for Ullrich congenital muscular dystrophy 1A. Last evaluated: 2019-02-22. Review status: no assertion criteria provided. Collection method: clinical testing. Allele origin: germline. Inheritance: Autosomal recessive inheritance. Affected: yes. Observed: 1 hemizygote. Not counted in ClinVar's aggregate classification.
Comment: Microarray analysis showed a 2,202 kb deletion on one allele at chromosome 21 which includes complete coding regions of COL6A1 and COL6A2.

NM_001849.4(COL6A2):c.2875G>A (p.Glu959Lys)

Gene: COL6A2 (collagen type VI alpha 2 chain; plus strand). Cytogenetic location: 21q22.3.
Variant type: single nucleotide variant.
Coding change: c.2875G>A on transcript NM_001849.4 (MANE Select); coding-DNA position 2875, G replaced by A.
Protein change: p.Glu959Lys; replaces glutamic acid 959 with lysine.
Molecular consequence: missense variant.
Genome position (GRCh38, 1-based): chr21:46,132,367, G>A. VCF-style: chr21-46132367-G-A. GRCh37 (hg19) VCF-style: chr21-47552281-G-A.
Other names: short protein forms E959K.
Identifiers: ClinVar variation 632582 (VCV000632582.8), dbSNP rs150168522, ClinGen allele CA10073072.